The following is an entry in ClinVar:

ClinVar aggregate classification (germline): Likely benign (1 of 4 stars; one submission).

Conditions:
Meniere disease. Also called: Ménière's disease. Identifiers: MedGen C0025281, MONDO:0007972, OMIM 156000.

Submission:

Meniere Disease Neuroscience Research Program, Faculty of Medicine and Health, Kolling Institute, The University of Sydney
Classification: Likely benign for Meniere disease. Last evaluated: 2024-01-09. Review status: criteria provided, single submitter. Criteria: ACMG Guidelines, 2015. Collection method: research. Allele origin: germline. Affected: yes. Observed: 18 variant alleles.
Comment: The NC_000017.11:g.40363579G>T, is a synonymous variant in GJD3 gene. The variant is part of an haplotype involved in Meniere’s Disease, composed by g.40356228C>T, g.40363058C>G, g.40363293G>A, g.40363294C>G and g.40363579G>T. The haplotype was found in 10 individuals with familial Meniere’s Disease, segregating in 3 of these families (PP1); and in another 8 individuals with sporadic Meniere’s Disease. GnomAD exomes allele frequency = 0.0205 is greater than 0.0001 (BS1); however, the frequency of the haplotype for the Iberian population in Spain is 0.0093. The variant was observed in healthy adults in gnomAD (BS2). It is a synonymous variants with not predicted splicing and in a position not conserved (phyloP = 1.92) (BP4 and BP7). In summary, this variant meets the criteria to be classified as likely benign based on the ACMG/AMP criteria applied: PP1,BS1,BS2,BP4, BP7.

NM_152219.4(GJD3):c.237C>A (p.Leu79=)

Genes: GJD3 (gap junction protein delta 3; minus strand), GJD3-AS1 (GJD3 antisense RNA 1; plus strand). Cytogenetic location: 17q21.2.
Variant type: single nucleotide variant.
Coding change: c.237C>A on transcript NM_152219.4 (MANE Select); coding-DNA position 237, C replaced by A.
Protein change: p.Leu79=; no amino-acid change (leucine 79 retained).
Molecular consequence: synonymous variant. On other transcripts: non-coding transcript variant (1).
Genome position (GRCh38, 1-based): chr17:40,363,579, G>T on the plus strand (C>A on the coding strand, the complement: GJD3 is on the minus strand). VCF-style: chr17-40363579-G-T. GRCh37 (hg19) VCF-style: chr17-38519831-G-T.
Identifiers: ClinVar variation 3387760 (VCV003387760.2).